The following is an entry in ClinVar:

ClinVar aggregate classification (germline): Benign/Likely benign. Review status: criteria provided, multiple submitters, no conflicts (2 of 4 stars). 6 submissions from 6 submitters: Benign (4); Likely benign (2). Last evaluated 2026-02-01.

Conditions:
Connective tissue disorder. Also called: Connective tissue disease. Identifiers: MedGen C0009782, MONDO:0003900.
Cranioectodermal dysplasia 1 (CED1). Also called: LEVIN SYNDROME I. Identifiers: Orphanet 1515, MedGen C0432235, MONDO:0021093, OMIM 218330.

Allele frequency attached by ClinVar (database versions not stated): TOPMed 0.01168; ESP Exome Variant Server 0.01207; 1000 Genomes Project 30x 0.01405; 1000 Genomes Project 0.01458.
gnomAD v4.1: 17,852 of 1,614,034 alleles (1.1%); highest among the groups gnomAD compares: South Asian, 3%; 164 homozygotes.

Submissions (6):

Labcorp Genetics (formerly Invitae), Labcorp
Classification: Benign for Cranioectodermal dysplasia 1. Last evaluated: 2026-02-01. Review status: criteria provided, single submitter. Criteria: Invitae Variant Classification Sherloc (09022015). Collection method: clinical testing. Allele origin: germline.

Mayo Clinic Laboratories, Mayo Clinic
Classification: Benign. Last evaluated: 2024-12-05. Review status: criteria provided, single submitter. Criteria: ACMG Guidelines, 2015. Collection method: clinical testing. Allele origin: germline. Observed: 1 variant allele.
Comment: BS1, BS2, BP4, BP7

Blueprint Genetics
Classification: Likely benign. Last evaluated: 2024-11-25. Review status: criteria provided, single submitter. Criteria: ACMG Guidelines, 2015. Collection method: clinical testing. Allele origin: germline.

Genome Diagnostics Laboratory, The Hospital for Sick Children
Classification: Benign for Connective tissue disorder. Last evaluated: 2022-04-22. Review status: criteria provided, single submitter. Criteria: ACMG Guidelines, 2015. Collection method: clinical testing. Allele origin: germline.

GeneDx
Classification: Benign. Last evaluated: 2020-07-13. Review status: criteria provided, single submitter. Criteria: GeneDx Variant Classification Process June 2021. Collection method: clinical testing. Allele origin: germline. Affected: yes.

Breakthrough Genomics
Classification: Likely benign. Review status: criteria provided, single submitter. Criteria: ACMG Guidelines, 2015. Collection method: not provided. Allele origin: germline. Inheritance: Autosomal recessive inheritance. Affected: yes.

NM_052989.3(IFT122):c.1713G>T (p.Ser571=)

Gene: IFT122 (intraflagellar transport 122; plus strand). Cytogenetic location: 3q21.3.
Variant type: single nucleotide variant.
Coding change: c.1713G>T on transcript NM_052989.3 (MANE Select); coding-DNA position 1713, G replaced by T.
Protein change: p.Ser571=; no amino-acid change (serine 571 retained).
Molecular consequence: synonymous variant.
Genome position (GRCh38, 1-based): chr3:129,483,544, G>T. VCF-style: chr3-129483544-G-T. GRCh37 (hg19) VCF-style: chr3-129202387-G-T.
Other names: p.Ser622=; c.1689G>T, p.Ser563= (NM_001280541.2); c.1263G>T, p.Ser421= (NM_001280545.2); c.1086G>T, p.Ser362= (NM_001280546.2); c.1536G>T, p.Ser512= (NM_018262.4); c.1866G>T, p.Ser622= (NM_052985.4); c.1380G>T, p.Ser460= (NM_052990.3).
Identifiers: ClinVar variation 343243 (VCV000343243.22), dbSNP rs150174636, ClinGen allele CA2606273.